The following is an entry in ClinVar:

ClinVar aggregate classification (germline): Conflicting classifications of pathogenicity. Review status: criteria provided, conflicting classifications (1 of 4 stars). 2 submissions from 2 submitters: Uncertain significance (1); Likely benign (1). Last evaluated 2023-10-15.

Conditions:
Hereditary spastic paraplegia 30. Identifiers: Orphanet 101010, MedGen C5235139, MONDO:0012476.
Intellectual disability, autosomal dominant 9 (NESCAVS). Also called: NESCAV SYNDROME; KIF1A-Related Neurodevelopmental Disorder. Identifiers: Orphanet 662367, MedGen C5393830, MONDO:0013656, OMIM 614255.
Neuropathy, hereditary sensory, type 2C. Also called: KIF1A-Related HSAN2 (HSAN2C); Hereditary sensory and autonomic neuropathy type IIC. Identifiers: Orphanet 970, MedGen C3280168, MONDO:0013634, OMIM 614213.

Allele frequency attached by ClinVar (database versions not stated): gnomAD exomes below 0.00001 and 0.00001; TOPMed below 0.00001.

Submissions (2):

Labcorp Genetics (formerly Invitae), Labcorp
Classification: Likely benign for Hereditary spastic paraplegia 30; Neuropathy, hereditary sensory, type 2C; Intellectual disability, autosomal dominant 9. Last evaluated: 2023-10-15. Review status: criteria provided, single submitter. Criteria: Invitae Variant Classification Sherloc (09022015). Collection method: clinical testing. Allele origin: germline.

Laboratorio de Genetica e Diagnostico Molecular, Hospital Israelita Albert Einstein
Classification: Uncertain significance. Last evaluated: 2019-12-25. Review status: criteria provided, single submitter. Criteria: ACMG Guidelines, 2015. Collection method: clinical testing. Allele origin: germline. Affected: yes.
Comment: ACMG classification criteria: PM2, PP2, BP4

NM_001244008.2(KIF1A):c.4568C>T (p.Ser1523Phe)

Gene: KIF1A (kinesin family member 1A; minus strand). Cytogenetic location: 2q37.3.
Variant type: single nucleotide variant.
Coding change: c.4568C>T on transcript NM_001244008.2 (MANE Select); coding-DNA position 4568, C replaced by T.
Protein change: p.Ser1523Phe; replaces serine 1523 with phenylalanine.
Molecular consequence: missense variant.
Genome position (GRCh38, 1-based): chr2:240,722,553, G>A on the plus strand (C>T on the coding strand, the complement: KIF1A is on the minus strand). VCF-style: chr2-240722553-G-A. GRCh37 (hg19) VCF-style: chr2-241661970-G-A.
Other names: c.4292C>T, p.Ser1431Phe (NM_001320705.2, NM_001379649.1); c.4319C>T, p.Ser1440Phe (NM_001330289.2); c.4367C>T, p.Ser1456Phe (NM_001330290.2, NM_001379648.1); c.4643C>T, p.Ser1548Phe (NM_001379631.1); c.4544C>T, p.Ser1515Phe (NM_001379632.1); c.4541C>T, p.Ser1514Phe (NM_001379633.1, NM_001379645.1); c.4394C>T, p.Ser1465Phe (NM_001379634.1); c.4391C>T, p.Ser1464Phe (NM_001379635.1, NM_001379646.1); and 7 more; short protein forms S1421F, S1422F, S1430F, S1431F, S1439F, S1440F, S1447F, S1456F.
Identifiers: ClinVar variation 1690755 (VCV001690755.5), dbSNP rs1157791693, ClinGen allele CA351304087.